The following is an entry in ClinVar:

ClinVar aggregate classification (germline): Likely pathogenic (1 of 4 stars; one submission).

Conditions:
3M syndrome 2. Also called: 3-M Syndrome, OBSL1-Related; THREE M SYNDROME 2. Identifiers: Orphanet 2616, MedGen C2752041, MONDO:0013039, OMIM 612921.

Allele frequency attached by ClinVar (database versions not stated): gnomAD 0.00001.
gnomAD v4.1: 1 of 1,613,714 alleles (0.000062%); highest among the groups gnomAD compares: Non-Finnish European, 0.000085%; no homozygotes.

Submission:

Greenwood Genetic Center Diagnostic Laboratories, Greenwood Genetic Center
Classification: Likely pathogenic for 3M syndrome 2. Last evaluated: 2023-12-12. Review status: criteria provided, single submitter. Criteria: ACMG Guidelines, 2015. Collection method: clinical testing. Allele origin: germline. Affected: yes.
Comment: PVS1, PM2

NM_015311.3(OBSL1):c.2222C>G (p.Ser741Ter)

Gene: OBSL1 (obscurin like cytoskeletal adaptor 1; minus strand). Cytogenetic location: 2q35.
Variant type: single nucleotide variant.
Coding change: c.2222C>G on transcript NM_015311.3 (MANE Select); coding-DNA position 2222, C replaced by G.
Protein change: p.Ser741Ter; replaces serine 741 with a stop codon.
Molecular consequence: nonsense.
Genome position (GRCh38, 1-based): chr2:219,565,427, G>C on the plus strand (C>G on the coding strand, the complement: OBSL1 is on the minus strand). VCF-style: chr2-219565427-G-C. GRCh37 (hg19) VCF-style: chr2-220430149-G-C.
Other names: c.2222C>G, p.Ser741Ter (NM_001173408.2, NM_001173431.2); short protein forms S741*.
Identifiers: ClinVar variation 2692499 (VCV002692499.1), dbSNP rs749399846, ClinGen allele CA350750945.